The following continues an entry in ClinVar:

NM_000059.4(BRCA2):c.620C>T (p.Thr207Ile)

Gene: BRCA2. ClinVar aggregate classification (germline): Uncertain significance. Uncertain significance (11).

Submissions 6 to 12 of 12:

All of Us Research Program, National Institutes of Health
Classification: Uncertain significance for BRCA2-related cancer predisposition. Last evaluated: 2024-05-14. Review status: criteria provided, single submitter. Criteria: ACMG Guidelines, 2015. Collection method: clinical testing. Allele origin: germline. Inheritance: Autosomal dominant inheritance. Observed: 1 variant allele, 1 heterozygote.
Comment: This missense variant replaces threonine with isoleucine at codon 207 of the BRCA2 protein. Computational prediction is inconclusive regarding the impact of this variant on protein structure and function (internally defined REVEL score threshold 0.5 < inconclusive < 0.7, PMID: 27666373). RNA assays have shown that this variant results in increased exon 7 skipping (21-55% of transcripts), which occurs at a low level in control cells (11% of transcripts). This variant has been reported in individuals affected with breast/ovarian cancer (PMID: 22711857, 25186627), colorectal cancer (PMID: 27978560), and in an unaffected individual (PMID: 33471991; Leiden Open Variation Database DB-ID BRCA2_007247). This variant has been identified in 4/251284 chromosomes in the general population by the Genome Aggregation Database (gnomAD). The available evidence is insufficient to determine the role of this variant in disease conclusively. Therefore, this variant is classified as a Variant of Uncertain Significance.

This study involves interpretation of variants in research participants for the purpose of population health screening. Participant phenotype was not available at the time of variant classification. Additional details can be found in publication PMID: 35346344, PMCID: PMC8962531

Color Diagnostics, LLC DBA Color Health
Classification: Uncertain significance for Hereditary cancer-predisposing syndrome. Last evaluated: 2023-12-06. Review status: criteria provided, single submitter. Criteria: ACMG Guidelines, 2015. Collection method: clinical testing. Allele origin: germline.
Comment: This missense variant replaces threonine with isoleucine at codon 207 of the BRCA2 protein. Computational prediction is inconclusive regarding the impact of this variant on protein structure and function (internally defined REVEL score threshold 0.5 < inconclusive < 0.7, PMID: 27666373). RNA assays have shown that this variant results in increased exon 7 skipping (21-55% of transcripts), which occurs at a low level in control cells (11% of transcripts). This variant has been reported in individuals affected with breast/ovarian cancer (PMID: 22711857, 25186627), colorectal cancer (PMID: 27978560), and in an unaffected individual (PMID: 33471991; Leiden Open Variation Database DB-ID BRCA2_007247). This variant has been identified in 4/251284 chromosomes in the general population by the Genome Aggregation Database (gnomAD). The available evidence is insufficient to determine the role of this variant in disease conclusively. Therefore, this variant is classified as a Variant of Uncertain Significance.

Baylor Genetics
Classification: Uncertain significance for Familial cancer of breast. Last evaluated: 2023-11-10. Review status: criteria provided, single submitter. Criteria: ACMG Guidelines, 2015. Collection method: clinical testing. Allele origin: unknown.

GeneDx
Classification: Uncertain significance. Last evaluated: 2023-03-09. Review status: criteria provided, single submitter. Criteria: GeneDx Variant Classification Process June 2021. Collection method: clinical testing. Allele origin: germline. Affected: yes.
Comment: Observed in individuals with breast, ovarian, and other cancers, as well as in unaffected controls (Alsop et al., 2012; Lu et al., 2015; Pearlman et al., 2017; Dorling et al., 2021); Published functional studies are inconclusive: leads to partial exon 7 skipping, producing both full-length and truncated mRNA transcripts (Di Giacomo et al., 2013; Fraile-Bethencourt et al., 2019); In silico analysis supports that this missense variant does not alter protein structure/function; Not observed at significant frequency in large population cohorts (gnomAD); Also known as 848C>T; In silico analysis is inconclusive as to whether the variant alters gene splicing. In the absence of RNA/functional studies, the actual effect of this sequence change is unknown; This variant is associated with the following publications: (PMID: 26556299, 26976419, 27284491, 23983145, 22711857, 26689913, 20513136, 18724707, 27978560, 30883759, 33471991, 26761715, 29884841)

Quest Diagnostics Nichols Institute San Juan Capistrano
Classification: Uncertain significance. Last evaluated: 2023-02-17. Review status: criteria provided, single submitter. Criteria: Quest Diagnostics criteria. Collection method: clinical testing. Allele origin: unknown.
Comment: The frequency of this variant in the general population, 0.000035 (4/113644 chromosomes), is uninformative in assessment of its pathogenicity. In the published literature, the variant has been reported in individuals affected with breast/ovarian cancer (PMIDs: 22711857 (2012), 25186627 (2015), 26689913 (2015)) or colorectal cancer (PMID: 27978560 (2016)). In vitro splicing studies report that this variant interferes with proper BRCA2 mRNA splicing and leads to incomplete skipping of exon 7 (PMIDs: 23983145 (2013), 26761715 (2016), 30883759 (2019)). Analysis of this variant using bioinformatics tools for the prediction of the effect of amino acid changes on protein structure and function yielded conflicting predictions that this variant is benign or damaging. Based on the available information, we are unable to determine the clinical significance of this variant.

Sema4
Classification: Uncertain significance for Hereditary cancer-predisposing syndrome. Last evaluated: 2021-10-24. Review status: criteria provided, single submitter. Criteria: Sema4 Curation Guidelines. Collection method: curation. Allele origin: germline.
Comment: The BRCA2 c.620C>T (p.T207I) variant has been reported in heterozygosity in individuals with breast and/or ovarian cancer (PMID: 25186627, 26689913, 22711857) and colorectal cancer (PMID: 27978560). Mini-gene assays and mRNA studies have shown that the variant increases the rate of exon 7 skipping (PMID: 30883759, 23983145). It was observed in 4/113644 chromosomes of the Non-Finnish European subpopulation in the large and broad cohorts of the Genome Aggregation Database (PMID: 32461654). The variant has been reported in ClinVar (Variation ID 186155). In silico predictions of the variant's effect on protein function are inconclusive. The evidence is insufficient to meet ACMG/AMP criteria for classifying the variant as benign or pathogenic. Thus, the clinical significance of this variant is currently uncertain.

Department of Medical and Surgical Sciences, University of Bologna
Classification: Uncertain significance for Breast-ovarian cancer, familial, susceptibility to, 2. Last evaluated: 2023-09-01. Review status: no assertion criteria provided. Collection method: clinical testing. Allele origin: germline. Affected: yes. Not counted in ClinVar's aggregate classification.
Comment: PP3(Supporting) according to ACMG/AMP classification guidelines specified for BRCA1 & BRCA2 (Classification Criteria V1.0.0 2023-09-08) (PMID: 38160042)

Literature cited by the submitters: PubMed 22711857 (cited by 7 submitters); PubMed 26689913 (cited by 5 submitters); PubMed 27978560 (cited by 6 submitters); PubMed 30883759 (cited by 3 submitters); PubMed 33471991 (cited by 4 submitters); PubMed 18724707 (cited by Women's Health and Genetics/Laboratory Corporation of America, LabCorp and Quest Diagnostics Nichols Institute San Juan Capistrano); PubMed 23983145 (cited by 3 submitters); PubMed 25186627 (cited by 5 submitters); PubMed 26761715 (cited by Women's Health and Genetics/Laboratory Corporation of America, LabCorp and Quest Diagnostics Nichols Institute San Juan Capistrano); PubMed 34359619 (cited by Quest Diagnostics Nichols Institute San Juan Capistrano); PubMed 29884841 (cited by Quest Diagnostics Nichols Institute San Juan Capistrano); PubMed 31853058 (cited by Quest Diagnostics Nichols Institute San Juan Capistrano); PubMed 32377563 (cited by Quest Diagnostics Nichols Institute San Juan Capistrano); PubMed 31911673 (cited by Quest Diagnostics Nichols Institute San Juan Capistrano).